The following is an entry in ClinVar:

NM_004415.4(DSP):c.3147G>A (p.Ser1049=)

Gene: DSP (desmoplakin; plus strand). Cytogenetic location: 6p24.3.
Variant type: single nucleotide variant.
Coding change: c.3147G>A on transcript NM_004415.4 (MANE Select); coding-DNA position 3147, G replaced by A.
Protein change: p.Ser1049=; no amino-acid change (serine 1049 retained).
Molecular consequence: synonymous variant.
Genome position (GRCh38, 1-based): chr6:7,579,337, G>A. VCF-style: chr6-7579337-G-A. GRCh37 (hg19) VCF-style: chr6-7579570-G-A.
Other names: c.3147G>A (LRG_423t1); c.3147G>A, p.Ser1049= (NM_001008844.3, NM_001319034.2).
Identifiers: ClinVar variation 357948 (VCV000357948.30), dbSNP rs756341143, ClinGen allele CA037319.
Genomic context (GRCh38, chr6:7,579,337, plus strand): 5'-GAAAAATACCAAGATCGAAGTTTTGGAAGAGGAGCTCAGACTGGCCCGAGATGCCAACTC[G>A]GAAAACTGTAATAAGAACAAATTCCTGGATCAGAACCTGCAGAAATACCAGGCAGAGTGT-3'
Protein context (NP_004406.2, residues 1039-1059): EELRLARDAN[Ser1049=]ENCNKNKFLD

ClinVar aggregate classification (germline): Conflicting classifications of pathogenicity. Review status: criteria provided, conflicting classifications (1 of 4 stars). 12 submissions from 10 submitters: Uncertain significance (3); Likely benign (6). 3 of the submissions do not count toward it. Last evaluated 2025-10-29.

Conditions:
Cardiovascular phenotype. Identifiers: MedGen CN230736.
Cardiomyopathy (CMYO). Also called: Cardiomyopathies. Identifiers: Orphanet 167848, MedGen C0878544, MONDO:0004994, HP:0001638. Inheritance: Various modes of inheritance.
Arrhythmogenic right ventricular dysplasia 8 (ARVD8). Also called: Arrhythmogenic Right Ventricular Dysplasia/Cardiomyopathy 8; ARRHYTHMOGENIC RIGHT VENTRICULAR DYSPLASIA, FAMILIAL, 8; ARRHYTHMOGENIC RIGHT VENTRICULAR CARDIOMYOPATHY 8. Identifiers: MedGen C1843896, MONDO:0011831, OMIM 607450.
Arrhythmogenic cardiomyopathy with wooly hair and keratoderma. Also called: PALMOPLANTAR KERATODERMA WITH LEFT VENTRICULAR CARDIOMYOPATHY AND WOOLLY HAIR; Arrhythmogenic cardiomyopathy with woolly hair and keratoderma; Carvajal syndrome; Dilated cardiomyopathy with woolly hair and keratoderma. Identifiers: Orphanet 65282, MedGen C1854063, MONDO:0011581, OMIM 605676.
Lethal acantholytic epidermolysis bullosa (EBLA). Identifiers: Orphanet 158687, MedGen C1864826, MONDO:0012323, OMIM 609638.
Woolly hair-skin fragility syndrome (WHSF). Identifiers: Orphanet 293165, MedGen C1843292, MONDO:0957307, OMIM 620415.

Allele frequency attached by ClinVar (database versions not stated): gnomAD 0.00002; gnomAD exomes 0.00002; TOPMed 0.00002; ExAC 0.00002.
gnomAD v4.1: 37 of 1,614,026 alleles (0.0023%); highest among the groups gnomAD compares: African/African-American, 0.004%; no homozygotes.

Submissions (12):

Labcorp Genetics (formerly Invitae), Labcorp
Classification: Likely benign for Arrhythmogenic cardiomyopathy with wooly hair and keratoderma; Arrhythmogenic right ventricular dysplasia 8. Last evaluated: 2025-10-29. Review status: criteria provided, single submitter. Criteria: Invitae Variant Classification Sherloc (09022015). Collection method: clinical testing. Allele origin: germline.

Blueprint Genetics
Classification: Likely benign. Last evaluated: 2023-12-05. Review status: criteria provided, single submitter. Criteria: ACMG Guidelines, 2015. Collection method: clinical testing. Allele origin: germline.

All of Us Research Program, National Institutes of Health
Classification: Likely benign for Arrhythmogenic cardiomyopathy with wooly hair and keratoderma. Last evaluated: 2023-11-30. Review status: criteria provided, single submitter. Criteria: ACMG Guidelines, 2015. Collection method: clinical testing. Allele origin: germline. Inheritance: Autosomal dominant inheritance. Observed: 8 variant alleles, 8 heterozygotes.
Comment: This study involves interpretation of variants in research participants for the purpose of population health screening. Participant phenotype was not available at the time of variant classification. Additional details can be found in publication PMID: 35346344, PMCID: PMC8962531

Ambry Genetics
Classification: Likely benign for Cardiovascular phenotype. Last evaluated: 2021-11-15. Review status: criteria provided, single submitter. Criteria: Ambry Variant Classification Scheme 2023. Collection method: clinical testing. Allele origin: germline.

GeneDx
Classification: Likely benign. Last evaluated: 2020-01-08. Review status: criteria provided, single submitter. Criteria: GeneDx Variant Classification Process June 2021. Collection method: clinical testing. Allele origin: germline. Affected: yes.

Color Diagnostics, LLC DBA Color Health
Classification: Likely benign for Cardiomyopathy. Last evaluated: 2018-12-03. Review status: criteria provided, single submitter. Criteria: ACMG Guidelines, 2015. Collection method: clinical testing. Allele origin: germline.

Illumina Laboratory Services, Illumina
Classification: Uncertain significance for Arrhythmogenic right ventricular dysplasia 8. Last evaluated: 2018-01-12. Review status: criteria provided, single submitter. Criteria: ICSL Variant Classification Criteria 13 December 2019. Collection method: clinical testing. Allele origin: germline.

Illumina Laboratory Services, Illumina
Classification: Uncertain significance for Arrhythmogenic cardiomyopathy with wooly hair and keratoderma. Last evaluated: 2018-01-12. Review status: criteria provided, single submitter. Criteria: ICSL Variant Classification Criteria 13 December 2019. Collection method: clinical testing. Allele origin: germline.

Illumina Laboratory Services, Illumina
Classification: Uncertain significance for Lethal acantholytic epidermolysis bullosa. Last evaluated: 2018-01-12. Review status: criteria provided, single submitter. Criteria: ICSL Variant Classification Criteria 13 December 2019. Collection method: clinical testing. Allele origin: germline.

Clinical Genetics DNA and cytogenetics Diagnostics Lab, Erasmus MC, Erasmus Medical Center
Classification: Likely benign. Review status: no assertion criteria provided. Collection method: clinical testing. Allele origin: germline. Affected: yes. Study: VKGL Data-share Consensus. Not counted in ClinVar's aggregate classification.

Diagnostic Laboratory, Department of Genetics, University Medical Center Groningen
Classification: Likely benign. Review status: no assertion criteria provided. Collection method: clinical testing. Allele origin: germline. Affected: yes. Study: VKGL Data-share Consensus. Not counted in ClinVar's aggregate classification.

Joint Genome Diagnostic Labs from Nijmegen and Maastricht, Radboudumc and MUMC+
Classification: Likely benign. Review status: no assertion criteria provided. Collection method: clinical testing. Allele origin: germline. Affected: yes. Study: VKGL Data-share Consensus. Not counted in ClinVar's aggregate classification.